The following is an entry in ClinVar:

ClinVar aggregate classification (germline): Uncertain significance (1 of 4 stars; one submission).

Conditions:
Neurodevelopmental disorder with or without variable brain abnormalities; NEDBA. Also called: NEURODEVELOPMENTAL DISORDER WITH OR WITHOUT VARIABLE BRAIN ABNORMALITIES. Identifiers: MedGen C5193102, MONDO:0032755, OMIM 618443.

Allele frequency attached by ClinVar (database versions not stated): gnomAD exomes below 0.00001; TOPMed below 0.00001; gnomAD 0.00001; ESP Exome Variant Server 0.00008.
gnomAD v4.1: 2 of 1,611,318 alleles (0.00012%); highest among the groups gnomAD compares: Non-Finnish European, 0.00017%; no homozygotes.

Submission:

Institute of Human Genetics, University of Leipzig Medical Center
Classification: Uncertain significance for Neurodevelopmental disorder with or without variable brain abnormalities; NEDBA. Last evaluated: 2022-04-05. Review status: criteria provided, single submitter. Criteria: ACMG Guidelines, 2015. Collection method: clinical testing. Allele origin: unknown. Affected: yes.
Comment: _x000D_ Criteria applied: PM1, PM2_SUP, PP3

NM_001318852.2(MAPK8IP3):c.3469C>T (p.Arg1157Trp)

Gene: MAPK8IP3 (mitogen-activated protein kinase 8 interacting protein 3; plus strand). Cytogenetic location: 16p13.3.
Variant type: single nucleotide variant.
Coding change: c.3469C>T on transcript NM_001318852.2 (MANE Select); coding-DNA position 3469, C replaced by T.
Protein change: p.Arg1157Trp; replaces arginine 1157 with tryptophan.
Molecular consequence: missense variant.
Genome position (GRCh38, 1-based): chr16:1,767,864, C>T. VCF-style: chr16-1767864-C-T. GRCh37 (hg19) VCF-style: chr16-1817865-C-T.
Other names: c.3448C>T, p.Arg1150Trp (NM_001040439.2); c.3466C>T, p.Arg1156Trp (NM_015133.5); short protein forms R1150W, R1156W, R1157W.
Identifiers: ClinVar variation 1679154 (VCV001679154.1), dbSNP rs367758687, ClinGen allele CA276721499.